The following is an entry in ClinVar:

NM_004463.3(FGD1):c.1935+4A>T

Gene: FGD1 (FYVE, RhoGEF and PH domain containing 1; minus strand). Cytogenetic location: Xp11.22.
Variant type: single nucleotide variant.
Coding change: c.1935+4A>T on transcript NM_004463.3 (MANE Select); 4 bases into the intron after coding-DNA position 1935, A replaced by T.
Molecular consequence: intron variant.
Genome position (GRCh38, 1-based): chrX:54,455,688, T>A on the plus strand (A>T on the coding strand, the complement: FGD1 is on the minus strand). VCF-style: chrX-54455688-T-A. GRCh37 (hg19) VCF-style: chrX-54482121-T-A.
Identifiers: ClinVar variation 5019276 (VCV005019276.2).

ClinVar aggregate classification (germline): Uncertain significance (1 of 4 stars; one submission).

Conditions:
Aarskog syndrome (AAS). Also called: Aarskog Scott syndrome; Aarskog disease; FGD1-Related Faciogenital Dysplasia (Aarskog-Scott Syndrome); FGDY; Aarskog-Scott syndrome, X-linked. Identifiers: Orphanet 915, MedGen C0175701, MONDO:0010589, OMIM 305400.

Submission:

Juno Genomics, Hangzhou Juno Genomics, Inc
Classification: Uncertain significance for Aarskog syndrome. Review status: criteria provided, single submitter. Criteria: ACMG Guidelines, 2015. Collection method: clinical testing. Allele origin: germline.
Comment: Absent from controls (or at extremely low frequency if recessive) in Genome Aggregation Database.;Multiple lines of computational evidence support a deleterious effect on the gene or gene product.